The following is an entry in ClinVar:

ClinVar aggregate classification (germline): Benign/Likely benign. Review status: criteria provided, multiple submitters, no conflicts (2 of 4 stars). 12 submissions from 12 submitters: Benign (7); Likely benign (2). 3 of the submissions do not count toward it. Last evaluated 2026-02-04.

Conditions:
LEPR POLYMORPHISM.
Obesity due to leptin receptor gene deficiency. Identifiers: Orphanet 179494, MedGen C3554225, MONDO:0013992, OMIM 614963.

Allele frequency attached by ClinVar (database versions not stated): 1000 Genomes Project 0.14237; 1000 Genomes Project 30x 0.14444; ExAC 0.15793; ESP Exome Variant Server 0.17667; TOPMed 0.17939.
gnomAD v4.1: 270,625 of 1,611,922 alleles (17%); highest among the groups gnomAD compares: Middle Eastern, 25%; 23,611 homozygotes.

Submissions (12):

Labcorp Genetics (formerly Invitae), Labcorp
Classification: Benign. Last evaluated: 2026-02-04. Review status: criteria provided, single submitter. Criteria: Invitae Variant Classification Sherloc (09022015). Collection method: clinical testing. Allele origin: germline.

Blueprint Genetics
Classification: Benign. Last evaluated: 2024-11-26. Review status: criteria provided, single submitter. Criteria: ACMG Guidelines, 2015. Collection method: clinical testing. Allele origin: germline.

Fulgent Genetics
Classification: Likely benign for Obesity due to leptin receptor gene deficiency. Last evaluated: 2021-10-18. Review status: criteria provided, single submitter. Criteria: ACMG Guidelines, 2015. Collection method: clinical testing. Allele origin: unknown.

GeneDx
Classification: Benign. Last evaluated: 2018-10-16. Review status: criteria provided, single submitter. Criteria: GeneDx Variant Classification Process June 2021. Collection method: clinical testing. Allele origin: germline. Affected: yes.
Comment: This variant is associated with the following publications: (PMID: 20814201, 22530350, 23315873, 23266707, 18413223, 14970363, 20185531, 12006639, 9175732)

Illumina Laboratory Services, Illumina
Classification: Benign for Obesity due to leptin receptor gene deficiency. Last evaluated: 2018-03-06. Review status: criteria provided, single submitter. Criteria: ICSL Variant Classification Criteria 13 December 2019. Collection method: clinical testing. Allele origin: germline.
Comment: This variant was observed in the ICSL laboratory as part of a predisposition screen in an ostensibly healthy population. It had not been previously curated by ICSL or reported in the Human Gene Mutation Database (HGMD: prior to June 1st, 2018), and was therefore a candidate for classification through an automated scoring system. Utilizing variant allele frequency, disease prevalence and penetrance estimates, and inheritance mode, an automated score was calculated to assess if this variant is too frequent to cause the disease. Based on the score and internal cut-off values, a variant classified as benign is not then subjected to further curation. The score for this variant resulted in a classification of benign for this disease.

Athena Diagnostics
Classification: Benign. Last evaluated: 2018-02-12. Review status: criteria provided, single submitter. Criteria: Athena Diagnostics Criteria. Collection method: clinical testing. Allele origin: germline.

Eurofins Ntd Llc (ga)
Classification: Benign. Last evaluated: 2017-12-19. Review status: criteria provided, single submitter. Criteria: EGL Classification Definitions 2015. Collection method: clinical testing. Allele origin: germline. Observed: 1 variant allele, 1 heterozygote.

Genome Diagnostics Laboratory, University Medical Center Utrecht
Classification: Benign for Obesity due to leptin receptor gene deficiency. Last evaluated: 2017-07-28. Review status: criteria provided, single submitter. Criteria: ACGS Guidelines, 2013. Collection method: clinical testing. Allele origin: germline. Affected: yes. Study: VKGL Data-share Consensus.

Breakthrough Genomics
Classification: Likely benign. Review status: criteria provided, single submitter. Criteria: ACMG Guidelines, 2015. Collection method: not provided. Allele origin: germline. Inheritance: Autosomal recessive inheritance. Affected: yes.

OMIM
Classification: Benign for LEPR POLYMORPHISM. Last evaluated: 2001-07-01. Review status: no assertion criteria provided. Collection method: literature only. Allele origin: germline. Not counted in ClinVar's aggregate classification.

Clinical Genetics, Academic Medical Center
Classification: Benign. Review status: no assertion criteria provided. Collection method: clinical testing. Allele origin: germline. Affected: yes. Study: VKGL Data-share Consensus. Not counted in ClinVar's aggregate classification.

Diagnostic Laboratory, Department of Genetics, University Medical Center Groningen
Classification: Benign for Obesity due to leptin receptor gene deficiency. Review status: no assertion criteria provided. Collection method: clinical testing. Allele origin: germline. Affected: yes. Study: VKGL Data-share Consensus. Not counted in ClinVar's aggregate classification.

Literature cited by the submitters: PubMed 11443193 (cited by OMIM).

NM_002303.6(LEPR):c.1968G>C (p.Lys656Asn)

Gene: LEPR (leptin receptor; plus strand). Cytogenetic location: 1p31.3.
Variant type: single nucleotide variant.
Coding change: c.1968G>C on transcript NM_002303.6 (MANE Select); coding-DNA position 1968, G replaced by C.
Protein change: p.Lys656Asn; replaces lysine 656 with asparagine.
Molecular consequence: missense variant.
Genome position (GRCh38, 1-based): chr1:65,610,269, G>C. VCF-style: chr1-65610269-G-C. GRCh37 (hg19) VCF-style: chr1-66075952-G-C.
Other names: c.1968G>C, p.Lys656Asn (NM_001003679.3, NM_001003680.3, NM_001198687.2 and 2 more transcripts); short protein forms K656N.
Identifiers: ClinVar variation 8524 (VCV000008524.25), dbSNP rs1805094, ClinGen allele CA119681.
Genomic context (GRCh38, chr1:65,610,269, plus strand): 5'-TGCAGTTCCTATGAGAGGACCTGAATTTTGGAGAATAATTAATGGAGATACTATGAAAAA[G>C]GAGAAAAATGTCACTTTACTTTGGAAGGTATTCCCAATTTTAATATTAATCTTAAATTGT-3'
Protein context (NP_002294.2, residues 646-666): WRIINGDTMK[Lys656Asn]EKNVTLLWKP